The following is an entry in ClinVar:

ClinVar aggregate classification (germline): Conflicting classifications of pathogenicity. Review status: criteria provided, conflicting classifications (1 of 4 stars). 4 submissions from 4 submitters: Uncertain significance (1); Benign (1); Likely benign (1). 1 of the submissions does not count toward it. Last evaluated 2026-09-01.

Conditions:
ZFHX3-related disorder. Also called: ZFHX3-related condition.

Submissions (4):

CeGaT Center for Human Genetics Tuebingen
Classification: Benign. Last evaluated: 2026-09-01. Review status: criteria provided, single submitter. Criteria: CeGaT Center For Human Genetics Tuebingen Variant Classification Criteria Version 2. Collection method: clinical testing. Allele origin: germline. Affected: yes. Observed: 19 variant alleles.
Comment: ZFHX3: BS1, BS2

Blueprint Genetics
Classification: Likely benign. Last evaluated: 2024-11-22. Review status: criteria provided, single submitter. Criteria: ACMG Guidelines, 2015. Collection method: clinical testing. Allele origin: germline.

Breakthrough Genomics
Classification: Uncertain significance. Review status: criteria provided, single submitter. Criteria: ACMG Guidelines, 2015. Collection method: not provided. Allele origin: germline. Inheritance: Autosomal dominant inheritance. Affected: yes.

PreventionGenetics, part of Exact Sciences
Classification: Likely benign for ZFHX3-related condition. Last evaluated: 2019-08-23. Review status: no assertion criteria provided. Collection method: clinical testing. Allele origin: germline. Not counted in ClinVar's aggregate classification.
Comment: This variant is classified as likely benign based on ACMG/AMP sequence variant interpretation guidelines (Richards et al. 2015 PMID: 25741868, with internal and published modifications).

NM_006885.4(ZFHX3):c.10142_10162del (p.Arg3381_Gln3387del)

Genes: ZFHX3 (zinc finger homeobox 3; minus strand), ZFHX3-AS1 (ZFHX3 antisense RNA 1; plus strand). Cytogenetic location: 16q22.2.
Variant type: Deletion.
Coding change: c.10142_10162del on transcript NM_006885.4 (MANE Select); coding-DNA positions 10142 to 10162, 21 bases deleted (GGCAACTACAGCAGCAGCAGC).
Protein change: p.Arg3381_Gln3387del.
Molecular consequence: inframe deletion.
Genome position (GRCh38, 1-based): chr16:72,788,114-72,788,134, GCTGCTGCTGCTGTAGTTGCC deleted on the plus strand (GGCAACTACAGCAGCAGCAGC on the coding strand, the reverse complement: ZFHX3 is on the minus strand); deleting any 21 consecutive bases within chr16:72,788,114-72,788,147 gives the same sequence; the c. name uses the placement nearest the transcript's 3' end. VCF-style (leftmost placement, unchanged base first): chr16-72788113-TGCTGCTGCTGCTGTAGTTGCC-T. GRCh37 (hg19) VCF-style: chr16-72822012-TGCTGCTGCTGCTGTAGTTGCC-T.
Other names: c.10142_10162del21 (NM_006885.3); c.7400_7420del, p.Arg2467_Gln2473del (NM_001164766.2).
Identifiers: ClinVar variation 808084 (VCV000808084.38), dbSNP rs755516522, ClinGen allele CA8162627.